The following is an entry in ClinVar:

NC_000001.11:g.52369378_52373625del

Gene: ORC1 (origin recognition complex subunit 1; minus strand). Cytogenetic location: 1p32.3.
Variant type: Deletion.
Genome position: GRCh38: chr1:52,369,378-52,373,625. GRCh37 (hg19): chr1:52,835,050-52,839,297.
Identifiers: ClinVar variation 1173067 (VCV001173067.5), ClinGen allele CA2573051592.

ClinVar aggregate classification (germline): Pathogenic (1 of 4 stars; one submission).

Conditions:
Meier-Gorlin syndrome 1 (MGORS1). Also called: EAR, PATELLA, SHORT STATURE SYNDROME. Identifiers: Orphanet 2554, MedGen C4552001, MONDO:0009143, OMIM 224690.

Submission:

Bicknell laboratory, University of Otago
Classification: Pathogenic for Meier-Gorlin syndrome 1. Review status: criteria provided, single submitter. Criteria: ACMG Guidelines, 2015. Collection method: research. Allele origin: inherited. Affected: yes.
Comment: Occurred as compound het with c.217G>A